The following is an entry in ClinVar:

ClinVar aggregate classification (germline): Pathogenic (1 of 4 stars; one submission).

Conditions:
Tuberous sclerosis 2 (TSC2). Identifiers: Orphanet 805, MedGen C1860707, MONDO:0013199, OMIM 613254.

Submission:

Division of Genomic Medicine, Department of Advanced Medicine, Medical Research Institute, Kanazawa Medical University
Classification: Pathogenic for Tuberous sclerosis 2. Last evaluated: 2022-07-17. Review status: criteria provided, single submitter. Criteria: ACMG Guidelines, 2015. Collection method: clinical testing. Allele origin: germline. Affected: yes. Observed: 1 variant allele.
Comment: TSC2/PKD1 contiguous gene deletion syndrome.

NC_000016.10:g.2047157_2220112del

Genes: CASKIN1 (CASK interacting protein 1; minus strand), BRICD5 (BRICHOS domain containing 5; minus strand), MIR1225 (microRNA 1225; minus strand), MIR3180-5 (microRNA 3180-5; minus strand), MIR4516 (microRNA 4516) and 25 more. Cytogenetic location: 16p13.3.
Variant type: Deletion.
Other names: arr[GRCh38] 16p13.3(2047157_2220112)x1.
Identifiers: ClinVar variation 1696837 (VCV001696837.1).